The following is an entry in ClinVar:

ClinVar aggregate classification (germline): Uncertain significance (1 of 4 stars; one submission).

Conditions:
Multiple endocrine neoplasia, type 1 (MEN1). Also called: MEN I; WERMER SYNDROME; Endocrine adenomatosis multiple; MEN 1; MEA I. Identifiers: Orphanet 652, MedGen C0025267, MeSH D018761, MONDO:0007540, OMIM 131100.

Allele frequency attached by ClinVar (database versions not stated): TOPMed below 0.00001.

Submission:

Labcorp Genetics (formerly Invitae), Labcorp
Classification: Uncertain significance for Multiple endocrine neoplasia, type 1. Last evaluated: 2023-12-16. Review status: criteria provided, single submitter. Criteria: Invitae Variant Classification Sherloc (09022015). Collection method: clinical testing. Allele origin: germline.
Comment: This sequence change replaces leucine, which is neutral and non-polar, with isoleucine, which is neutral and non-polar, at codon 301 of the MEN1 protein (p.Leu301Ile). This variant is not present in population databases (gnomAD no frequency). This variant has not been reported in the literature in individuals affected with MEN1-related conditions. ClinVar contains an entry for this variant (Variation ID: 852267). Algorithms developed to predict the effect of missense changes on protein structure and function output the following: SIFT: "Not Available"; PolyPhen-2: "Benign"; Align-GVGD: "Not Available". The isoleucine amino acid residue is found in multiple mammalian species, which suggests that this missense change does not adversely affect protein function. In summary, the available evidence is currently insufficient to determine the role of this variant in disease. Therefore, it has been classified as a Variant of Uncertain Significance.

NM_001370259.2(MEN1):c.901C>A (p.Leu301Ile)

Gene: MEN1 (menin 1; minus strand). Cytogenetic location: 11q13.1.
Variant type: single nucleotide variant.
Coding change: c.901C>A on transcript NM_001370259.2 (MANE Select); coding-DNA position 901, C replaced by A.
Protein change: p.Leu301Ile; replaces leucine 301 with isoleucine.
Molecular consequence: missense variant.
Genome position (GRCh38, 1-based): chr11:64,807,022, G>T on the plus strand (C>A on the coding strand, the complement: MEN1 is on the minus strand). VCF-style: chr11-64807022-G-T. GRCh37 (hg19) VCF-style: chr11-64574494-G-T.
Other names: c.916C>A, p.Leu306Ile (NM_000244.4, NM_130800.3, NM_130801.3 and 3 more transcripts); c.901C>A, p.Leu301Ile (NM_001370251.2, NM_001370260.2, NM_001370261.2 and 1 more transcripts); c.796C>A, p.Leu266Ile (NM_001370262.2, NM_001370263.2); short protein forms L306I, L266I, L301I.
Identifiers: ClinVar variation 852267 (VCV000852267.7), dbSNP rs1941775680, ClinGen allele CA381183503.